The following is an entry in ClinVar:

NM_022114.4(PRDM16):c.2459G>A (p.Arg820Gln)

Gene: PRDM16 (PR/SET domain 16; plus strand). Cytogenetic location: 1p36.32.
Variant type: single nucleotide variant.
Coding change: c.2459G>A on transcript NM_022114.4 (MANE Select); coding-DNA position 2459, G replaced by A.
Protein change: p.Arg820Gln; replaces arginine 820 with glutamine.
Molecular consequence: missense variant.
Genome position (GRCh38, 1-based): chr1:3,412,656, G>A. VCF-style: chr1-3412656-G-A. GRCh37 (hg19) VCF-style: chr1-3329220-G-A.
Other names: c.2459G>A, p.Arg820Gln (NM_199454.3); short protein forms R820Q.
Identifiers: ClinVar variation 1405257 (VCV001405257.8), dbSNP rs772528427, ClinGen allele CA544485.

ClinVar aggregate classification (germline): Uncertain significance (1 of 4 stars; one submission).

Conditions:
Left ventricular noncompaction 8 (LVNC8). Identifiers: Orphanet 154, Orphanet 54260, MedGen C3809288, MONDO:0014152, OMIM 615373.

Allele frequency attached by ClinVar (database versions not stated): gnomAD exomes 0.00001 and 0.00002; TOPMed 0.00001; ExAC 0.00004.
gnomAD v4.1: 23 of 1,535,344 alleles (0.0015%); highest among the groups gnomAD compares: South Asian, 0.0024%; no homozygotes.

Submission:

Labcorp Genetics (formerly Invitae), Labcorp
Classification: Uncertain significance for Left ventricular noncompaction 8. Last evaluated: 2025-03-23. Review status: criteria provided, single submitter. Criteria: Invitae Variant Classification Sherloc (09022015). Collection method: clinical testing. Allele origin: germline.
Comment: This sequence change replaces arginine, which is basic and polar, with glutamine, which is neutral and polar, at codon 820 of the PRDM16 protein (p.Arg820Gln). The frequency data for this variant in the population databases is considered unreliable, as metrics indicate poor data quality at this position in the gnomAD database. This variant has not been reported in the literature in individuals affected with PRDM16-related conditions. ClinVar contains an entry for this variant (Variation ID: 1405257). An algorithm developed to predict the effect of missense changes on protein structure and function (PolyPhen-2) suggests that this variant is likely to be tolerated. In summary, the available evidence is currently insufficient to determine the role of this variant in disease. Therefore, it has been classified as a Variant of Uncertain Significance.